The following is an entry in ClinVar:

ClinVar aggregate classification (germline): Pathogenic/Likely pathogenic. Review status: criteria provided, multiple submitters, no conflicts (2 of 4 stars). 10 submissions from 10 submitters: Pathogenic (9); Likely pathogenic (1). Last evaluated 2025-10-02.

Conditions:
Pitt-Hopkins syndrome (PTHS). Also called: ENCEPHALOPATHY, SEVERE EPILEPTIC, WITH AUTONOMIC DYSFUNCTION; MENTAL RETARDATION, SYNDROMAL, WITH INTERMITTENT HYPERVENTILATION. Identifiers: Orphanet 2896, MedGen C1970431, MONDO:0012589, OMIM 610954.
Corneal dystrophy, Fuchs endothelial, 3 (FECD3). Also called: FCD2 LOCUS. Identifiers: Orphanet 98974, MedGen C2750451, MONDO:0013203, OMIM 613267.
Inborn genetic diseases. Identifiers: MedGen C0950123, MeSH D030342.

Submissions (10):

3billion
Classification: Pathogenic for Pitt-Hopkins syndrome. Last evaluated: 2025-10-02. Review status: criteria provided, single submitter. Criteria: ACMG Guidelines, 2015. Collection method: clinical testing. Allele origin: germline. Affected: yes.
Comment: The variant is not observed in the gnomAD v4.1.0 dataset. Predicted Consequence/Location: Stop-gained (nonsense): predicted to result in a loss or disruption of normal protein function through nonsense-mediated decay (NMD) or protein truncation. Multiple pathogenic variants are reported downstream of the variant. The variant has been reported at least twice as pathogenic with clinical assertions and evidence for the classification (ClinVar ID: VCV000488988 /PMID: 27179618 /3billion dataset). Therefore, this variant is classified as Pathogenic according to the recommendation of ACMG/AMP guideline.

Variantyx, Inc.
Classification: Pathogenic for Pitt-Hopkins syndrome. Last evaluated: 2025-08-30. Review status: criteria provided, single submitter. Criteria: Variantyx Assertion Criteria 2022. Collection method: clinical testing. Allele origin: de novo. Inheritance: Autosomal dominant inheritance. Affected: yes.
Comment: This is a nonsense variant in the TCF4 gene (OMIM: 602272). Pathogenic variants in this gene have been associated with autosomal dominant Pitt-Hopkins syndrome. This variant likely occurred de novo in individuals reported in the published literature; however, the possibility of parental germline mosaicism cannot be excluded (PMID: 29695756, 33644862, 31428121) (PS2_Very_Strong). This variant introduces a premature termination codon in exon 18 out of 20 and is expected to result in loss of function, which is a known disease mechanism for TCF4 in this disorder (PMID: 18728071, 22045651) (PVS1). This variant is absent from control populations (PM2). Based on the current evidence, this variant is classified as pathogenic for autosomal dominant Pitt-Hopkins syndrome.

Labcorp Genetics (formerly Invitae), Labcorp
Classification: Pathogenic for Pitt-Hopkins syndrome. Last evaluated: 2023-06-05. Review status: criteria provided, single submitter. Criteria: Invitae Variant Classification Sherloc (09022015). Collection method: clinical testing. Allele origin: germline.
Comment: This sequence change creates a premature translational stop signal (p.Arg576*) in the TCF4 gene. It is expected to result in an absent or disrupted protein product. Loss-of-function variants in TCF4 are known to be pathogenic (PMID: 18728071, 22045651). For these reasons, this variant has been classified as Pathogenic. ClinVar contains an entry for this variant (Variation ID: 488988). This variant is also known as p.Arg678*. This premature translational stop signal has been observed in individual(s) with clinical features of Pitt-Hopkins syndrome (PMID: 27179618, 29695756, 31428121). In at least one individual the variant was observed to be de novo. This variant is not present in population databases (gnomAD no frequency).

GeneDx
Classification: Pathogenic. Last evaluated: 2023-03-28. Review status: criteria provided, single submitter. Criteria: GeneDx Variant Classification Process June 2021. Collection method: clinical testing. Allele origin: germline. Affected: yes.
Comment: Not observed at significant frequency in large population cohorts (gnomAD); Nonsense variant predicted to result in protein truncation or nonsense mediated decay in a gene for which loss of function is a known mechanism of disease; This variant is associated with the following publications: (PMID: 27179618, 25780760, 29695756, 31428121, 31981491, 33644862)

Revvity Omics, Revvity
Classification: Pathogenic. Last evaluated: 2022-05-06. Review status: criteria provided, single submitter. Criteria: ACMG Guidelines, 2015. Collection method: clinical testing. Allele origin: germline.

Genetics and Molecular Pathology, SA Pathology
Classification: Pathogenic for Pitt-Hopkins syndrome. Last evaluated: 2021-06-25. Review status: criteria provided, single submitter. Criteria: ACMG Guidelines, 2015. Collection method: clinical testing. Allele origin: germline. Affected: yes.

Ambry Genetics
Classification: Pathogenic for Inborn genetic diseases. Last evaluated: 2017-06-22. Review status: criteria provided, single submitter. Criteria: Ambry Variant Classification Scheme 2023. Collection method: clinical testing. Allele origin: germline.
Comment: The p.R576* pathogenic mutation (also known as c.1726C>T), located in coding exon 17 of the TCF4 gene, results from a C to T substitution at nucleotide position 1726. This changes the amino acid from an arginine to a stop codon within coding exon 17. In one study, an individual with Pitt Hopkins Syndrome features who carried this mutation was used as an affected control (Maduro V et al. Orphanet J Rare Dis, 2016 May;11:62). In addition to the clinical data presented in the literature, this alteration is expected to result in loss of function by premature protein truncation or nonsense-mediated mRNA decay. As such, this alteration is interpreted as a disease-causing mutation.

Clinical Genetics and Genomics, Karolinska University Hospital
Classification: Pathogenic. Last evaluated: 2016-11-28. Review status: criteria provided, single submitter. Criteria: ACMG Guidelines, 2015. Collection method: clinical testing. Allele origin: germline. Affected: yes. Observed: 1 variant allele.

Equipe Genetique des Anomalies du Developpement, Université de Bourgogne
Classification: Likely pathogenic for Pitt-Hopkins syndrome. Last evaluated: 2015-01-01. Review status: criteria provided, single submitter. Criteria: ACMG Guidelines, 2007. Collection method: clinical testing. Allele origin: de novo. Affected: yes.

Juno Genomics, Hangzhou Juno Genomics, Inc
Classification: Pathogenic for Corneal dystrophy, Fuchs endothelial, 3; Pitt-Hopkins syndrome. Review status: criteria provided, single submitter. Criteria: ACMG Guidelines, 2015. Collection method: clinical testing. Allele origin: germline. Affected: yes.
Comment: Absent from controls (or at extremely low frequency if recessive) in Genome Aggregation Database.;Null variant in a gene where loss of function (LOF) is a known mechanism of disease.;De novo (both maternity and paternity confirmed) in a patient with the disease and no family history.;The prevalence of the variant in affected individuals is significantly increased compared to the prevalence in controls.

Literature cited by the submitters: PubMed 27179618 (cited by 4 submitters); PubMed 31428121 (cited by Variantyx, Inc. and Labcorp Genetics (formerly Invitae), Labcorp); PubMed 33644862 (cited by Variantyx, Inc.); PubMed 29695756 (cited by Variantyx, Inc. and Labcorp Genetics (formerly Invitae), Labcorp); PubMed 18728071 (cited by Labcorp Genetics (formerly Invitae), Labcorp); PubMed 22045651 (cited by Labcorp Genetics (formerly Invitae), Labcorp); PubMed 17436254 (cited by Ambry Genetics); PubMed 19235238 (cited by Ambry Genetics).

NM_001083962.2(TCF4):c.1726C>T (p.Arg576Ter)

Gene: TCF4 (transcription factor 4; minus strand). Cytogenetic location: 18q21.2.
Variant type: single nucleotide variant.
Coding change: c.1726C>T on transcript NM_001083962.2 (MANE Select); coding-DNA position 1726, C replaced by T.
Protein change: p.Arg576Ter; replaces arginine 576 with a stop codon.
Molecular consequence: nonsense.
Genome position (GRCh38, 1-based): chr18:55,229,000, G>A on the plus strand (C>T on the coding strand, the complement: TCF4 is on the minus strand). VCF-style: chr18-55229000-G-A. GRCh37 (hg19) VCF-style: chr18-52896231-G-A.
Other names: c.1714C>T, p.Arg572Ter (NM_003199.3, NM_001369571.1, NM_001369572.1); c.2032C>T (NM_001243226.2); c.2032C>T, p.Arg678Ter (NM_001243226.3); c.1654C>T, p.Arg552Ter (NM_001243227.2, NM_001369575.1, NM_001348217.1 and 1 more transcripts); c.1744C>T, p.Arg582Ter (NM_001243228.2); c.1705C>T, p.Arg569Ter (NM_001243230.2); c.1588C>T, p.Arg530Ter (NM_001243231.2); c.1513C>T, p.Arg505Ter (NM_001243232.1); and 15 more; short protein forms R576*, R678*, R360*, R411*, R416*, R446*, R530*, R534*.
Identifiers: ClinVar variation 488988 (VCV000488988.25), dbSNP rs1555710726, ClinGen allele CA402528924.